The following is an entry in ClinVar:

NM_022463.5(NXN):c.1015G>A (p.Gly339Arg)

Gene: NXN (nucleoredoxin; minus strand). Cytogenetic location: 17p13.3.
Variant type: single nucleotide variant.
Coding change: c.1015G>A on transcript NM_022463.5 (MANE Select); coding-DNA position 1015, G replaced by A.
Protein change: p.Gly339Arg; replaces glycine 339 with arginine.
Molecular consequence: missense variant.
Genome position (GRCh38, 1-based): chr17:803,792, C>T on the plus strand (G>A on the coding strand, the complement: NXN is on the minus strand). VCF-style: chr17-803792-C-T. GRCh37 (hg19) VCF-style: chr17-707032-C-T.
Other names: c.691G>A, p.Gly231Arg (NM_001205319.1); c.1015G>A (NM_022463.4); short protein forms G339R, G231R.
Identifiers: ClinVar variation 1924664 (VCV001924664.4), dbSNP rs767668963, ClinGen allele CA286707840.

ClinVar aggregate classification (germline): Uncertain significance. Review status: criteria provided, multiple submitters, no conflicts (2 of 4 stars). 2 submissions from 2 submitters: Uncertain significance (2). Last evaluated 2025-04-02.

Allele frequency attached by ClinVar (database versions not stated): TOPMed 0.00003; gnomAD exomes 0.00001; gnomAD 0.00003.
gnomAD v4.1: 20 of 1,614,064 alleles (0.0012%); highest among the groups gnomAD compares: African/African-American, 0.0093%; no homozygotes.

Submissions (2):

Ambry Genetics
Classification: Uncertain significance. Last evaluated: 2025-04-02. Review status: criteria provided, single submitter. Criteria: Ambry Variant Classification Scheme 2023. Collection method: clinical testing. Allele origin: germline.

Labcorp Genetics (formerly Invitae), Labcorp
Classification: Uncertain significance. Last evaluated: 2022-05-28. Review status: criteria provided, single submitter. Criteria: Invitae Variant Classification Sherloc (09022015). Collection method: clinical testing. Allele origin: germline.
Comment: In summary, the available evidence is currently insufficient to determine the role of this variant in disease. Therefore, it has been classified as a Variant of Uncertain Significance. Algorithms developed to predict the effect of missense changes on protein structure and function (SIFT, PolyPhen-2, Align-GVGD) all suggest that this variant is likely to be disruptive. This variant has not been reported in the literature in individuals affected with NXN-related conditions. This variant is present in population databases (rs767668963, gnomAD 0.01%). This sequence change replaces glycine, which is neutral and non-polar, with arginine, which is basic and polar, at codon 339 of the NXN protein (p.Gly339Arg).